The following is an entry in ClinVar:

ClinVar aggregate classification (germline): Uncertain significance (1 of 4 stars; one submission).

Conditions:
LAMA2-related muscular dystrophy (LAMA2-RD). Also called: Laminin alpha 2-related dystrophy. Identifiers: MedGen C5679788, MONDO:0100228.

Allele frequency attached by ClinVar (database versions not stated): TOPMed below 0.00001.

Submission:

Labcorp Genetics (formerly Invitae), Labcorp
Classification: Uncertain significance for LAMA2-related muscular dystrophy. Last evaluated: 2023-07-07. Review status: criteria provided, single submitter. Criteria: Invitae Variant Classification Sherloc (09022015). Collection method: clinical testing. Allele origin: germline.
Comment: This variant is not present in population databases (gnomAD no frequency). This sequence change replaces glycine, which is neutral and non-polar, with valine, which is neutral and non-polar, at codon 1909 of the LAMA2 protein (p.Gly1909Val). This variant also falls at the last nucleotide of exon 39, which is part of the consensus splice site for this exon. This missense change has been observed in individual(s) with clinical features of muscular dystrophy (Invitae). In at least one individual the data is consistent with being in trans (on the opposite chromosome) from a pathogenic variant. ClinVar contains an entry for this variant (Variation ID: 848807). An algorithm developed to predict the effect of missense changes on protein structure and function (PolyPhen-2) suggests that this variant is likely to be disruptive. Variants that disrupt the consensus splice site are a relatively common cause of aberrant splicing (PMID: 17576681, 9536098). Algorithms developed to predict the effect of sequence changes on RNA splicing suggest that this variant may disrupt the consensus splice site. In summary, the available evidence is currently insufficient to determine the role of this variant in disease. Therefore, it has been classified as a Variant of Uncertain Significance.

Literature cited by the submitters: PubMed 17576681; PubMed 9536098.

NM_000426.4(LAMA2):c.5726G>T (p.Gly1909Val)

Gene: LAMA2 (laminin subunit alpha 2; plus strand). Cytogenetic location: 6q22.33.
Variant type: single nucleotide variant.
Coding change: c.5726G>T on transcript NM_000426.4 (MANE Select); coding-DNA position 5726, G replaced by T.
Protein change: p.Gly1909Val; replaces glycine 1909 with valine.
Molecular consequence: missense variant.
Genome position (GRCh38, 1-based): chr6:129,402,487, G>T. VCF-style: chr6-129402487-G-T. GRCh37 (hg19) VCF-style: chr6-129723632-G-T.
Other names: c.5726G>T, p.Gly1909Val (NM_001079823.2); short protein forms G1909V.
Identifiers: ClinVar variation 848807 (VCV000848807.10), dbSNP rs773237240, ClinGen allele CA365616678.